The following is an entry in ClinVar:

NM_024741.3(ZNF408):c.1127C>T (p.Thr376Met)

Gene: ZNF408 (zinc finger protein 408; plus strand). Cytogenetic location: 11p11.2.
Variant type: single nucleotide variant.
Coding change: c.1127C>T on transcript NM_024741.3 (MANE Select); coding-DNA position 1127, C replaced by T.
Protein change: p.Thr376Met; replaces threonine 376 with methionine.
Molecular consequence: missense variant.
Genome position (GRCh38, 1-based): chr11:46,704,827, C>T. VCF-style: chr11-46704827-C-T. GRCh37 (hg19) VCF-style: chr11-46726377-C-T.
Other names: c.1103C>T, p.Thr368Met (NM_001184751.2); short protein forms T368M, T376M.
Identifiers: ClinVar variation 1059087 (VCV001059087.7), dbSNP rs367702172, ClinGen allele CA5966503.

ClinVar aggregate classification (germline): Uncertain significance (1 of 4 stars; one submission).

Allele frequency attached by ClinVar (database versions not stated): ExAC 0.00001; gnomAD exomes 0.00001.

Submission:

Labcorp Genetics (formerly Invitae), Labcorp
Classification: Uncertain significance. Last evaluated: 2025-03-17. Review status: criteria provided, single submitter. Criteria: Invitae Variant Classification Sherloc (09022015). Collection method: clinical testing. Allele origin: germline.
Comment: This sequence change replaces threonine, which is neutral and polar, with methionine, which is neutral and non-polar, at codon 376 of the ZNF408 protein (p.Thr376Met). The frequency data for this variant in the population databases is considered unreliable, as metrics indicate poor data quality at this position in the gnomAD database. This variant has not been reported in the literature in individuals affected with ZNF408-related conditions. ClinVar contains an entry for this variant (Variation ID: 1059087). An algorithm developed to predict the effect of missense changes on protein structure and function outputs the following: PolyPhen-2: "Probably Damaging". The methionine amino acid residue is found in multiple mammalian species, which suggests that this missense change does not adversely affect protein function. In summary, the available evidence is currently insufficient to determine the role of this variant in disease. Therefore, it has been classified as a Variant of Uncertain Significance.